The following is an entry in ClinVar:

ClinVar aggregate classification (germline): Uncertain significance (1 of 4 stars; one submission).

Conditions:
Hereditary cancer-predisposing syndrome. Also called: Hereditary Cancer Syndrome; Tumor predisposition; Hereditary neoplastic syndrome; Neoplastic Syndromes, Hereditary. Identifiers: Orphanet 140162, MedGen C0027672, MeSH D009386, MONDO:0015356.

gnomAD v4.1: 2 of 1,613,502 alleles (0.00012%); highest among the groups gnomAD compares: Non-Finnish European, 0.00017%; no homozygotes.

Submission:

Ambry Genetics
Classification: Uncertain significance for Hereditary cancer-predisposing syndrome. Last evaluated: 2024-06-26. Review status: criteria provided, single submitter. Criteria: Ambry Variant Classification Scheme 2023. Collection method: clinical testing. Allele origin: germline.
Comment: The p.F753C variant (also known as c.2258T>G), located in coding exon 8 of the MET gene, results from a T to G substitution at nucleotide position 2258. The phenylalanine at codon 753 is replaced by cysteine, an amino acid with highly dissimilar properties. This amino acid position is conserved. In addition, the in silico prediction for this alteration is inconclusive. Based on the available evidence, the clinical significance of this variant remains unclear.

NM_000245.4(MET):c.2258T>G (p.Phe753Cys)

Gene: MET (MET proto-oncogene, receptor tyrosine kinase; plus strand). Cytogenetic location: 7q31.2.
Variant type: single nucleotide variant.
Coding change: c.2258T>G on transcript NM_000245.4 (MANE Select); coding-DNA position 2258, T replaced by G.
Protein change: p.Phe753Cys; replaces phenylalanine 753 with cysteine.
Molecular consequence: missense variant.
Genome position (GRCh38, 1-based): chr7:116,758,614, T>G. VCF-style: chr7-116758614-T-G. GRCh37 (hg19) VCF-style: chr7-116398668-T-G.
Other names: c.2258T>G, p.Phe753Cys (NM_001127500.3, NM_001324401.3); c.968T>G, p.Phe323Cys (NM_001324402.2); short protein forms F323C, F753C.
Identifiers: ClinVar variation 3395102 (VCV003395102.1).
Genomic context (GRCh38, chr7:116,758,614, plus strand): 5'-CAAGCATCTTCAGTTACCGTGAAGATCCCATTGTCTATGAAATTCATCCAACCAAATCTT[T>G]TATTAGGTAAGTAGAAGCTTCTGATGGGTATAAGAAAACAATGAATACAAGGATGATTTT-3'
Protein context (NP_000236.2, residues 743-763): IVYEIHPTKS[Phe753Cys]ISGGSTITGV